The following is an entry in ClinVar:

ClinVar aggregate classification (germline): Conflicting classifications of pathogenicity. Review status: criteria provided, conflicting classifications (1 of 4 stars). 9 submissions from 7 submitters: Uncertain significance (2); Benign (1); Likely benign (6). Last evaluated 2026-01-29.

Conditions:
Familial thoracic aortic aneurysm and aortic dissection (TAAD). Also called: Thoracic aortic aneurysms and dissections. Identifiers: Orphanet 91387, MedGen C4707243, MONDO:0019625.
Hereditary cancer-predisposing syndrome. Also called: Tumor predisposition; Neoplastic Syndromes, Hereditary; Hereditary neoplastic syndrome; Hereditary Cancer Syndrome. Identifiers: Orphanet 140162, MedGen C0027672, MeSH D009386, MONDO:0015356.
Juvenile polyposis syndrome (JPS). Identifiers: Orphanet 2929, MedGen C0345893, MONDO:0017380, OMIM 174900.
Generalized juvenile polyposis/juvenile polyposis coli. Also called: Juvenile polyposis coli. Identifiers: Orphanet 329971, MedGen C1868081, MONDO:0008276.
Myhre syndrome (MYHRS). Also called: LARYNGOTRACHEAL STENOSIS, ARTHROPATHY, PROGNATHISM, AND SHORT STATURE; LAPS SYNDROME. Identifiers: Orphanet 2588, MedGen C0796081, MONDO:0007688, OMIM 139210.
Juvenile polyposis/hereditary hemorrhagic telangiectasia syndrome (JPHT). Also called: Juvenile Polyposis Syndrome / Hereditary Hemorrhagic Telangiectasia (JPS/HHT); JP/HHT SYNDROME; JUVENILE POLYPOSIS WITH HEREDITARY HEMORRHAGIC TELANGIECTASIA; POLYPOSIS, GENERALIZED JUVENILE, WITH PULMONARY ARTERIOVENOUS MALFORMATION; TELANGIECTASIA, HEREDITARY HEMORRHAGIC, WITH JUVENILE POLYPOSIS COLI. Identifiers: Orphanet 2929, MedGen C1832942, MONDO:0008278, OMIM 175050.

Allele frequency attached by ClinVar (database versions not stated): gnomAD exomes 0.00002; ExAC 0.00003.
gnomAD v4.1: 12 of 1,614,040 alleles (0.00074%); highest among the groups gnomAD compares: East Asian, 0.027%; no homozygotes.

Submissions (9):

Labcorp Genetics (formerly Invitae), Labcorp
Classification: Likely benign for Juvenile polyposis syndrome. Last evaluated: 2026-01-29. Review status: criteria provided, single submitter. Criteria: Invitae Variant Classification Sherloc (09022015). Collection method: clinical testing. Allele origin: germline.

Myriad Genetics, Inc.
Classification: Benign for Juvenile polyposis/hereditary hemorrhagic telangiectasia syndrome. Last evaluated: 2025-03-18. Review status: criteria provided, single submitter. Criteria: Myriad Autosomal Dominant, Autosomal Recessive and X-Linked Classification Criteria (2023). Collection method: clinical testing. Allele origin: unknown.
Comment: This variant is considered benign. This variant is a silent/synonymous amino acid change and it is not expected to impact splicing.

All of Us Research Program, National Institutes of Health
Classification: Likely benign for Juvenile polyposis/hereditary hemorrhagic telangiectasia syndrome. Last evaluated: 2023-10-27. Review status: criteria provided, single submitter. Criteria: ACMG Guidelines, 2015. Collection method: clinical testing. Allele origin: germline. Inheritance: Autosomal dominant inheritance. Observed: 1 variant allele, 1 heterozygote.
Comment: This study involves interpretation of variants in research participants for the purpose of population health screening. Participant phenotype was not available at the time of variant classification. Additional details can be found in publication PMID: 35346344, PMCID: PMC8962531

Illumina Laboratory Services, Illumina
Classification: Uncertain significance for Juvenile polyposis/hereditary hemorrhagic telangiectasia syndrome. Last evaluated: 2018-01-12. Review status: criteria provided, single submitter. Criteria: ICSL Variant Classification Criteria 13 December 2019. Collection method: clinical testing. Allele origin: germline.

Illumina Laboratory Services, Illumina
Classification: Likely benign for Myhre syndrome. Last evaluated: 2018-01-12. Review status: criteria provided, single submitter. Criteria: ICSL Variant Classification Criteria 13 December 2019. Collection method: clinical testing. Allele origin: germline.
Comment: This variant was observed in the ICSL laboratory as part of a predisposition screen in an ostensibly healthy population. It had not been previously curated by ICSL or reported in the Human Gene Mutation Database (HGMD: prior to June 1st, 2018), and was therefore a candidate for classification through an automated scoring system. Utilizing variant allele frequency, disease prevalence and penetrance estimates, and inheritance mode, an automated score was calculated to assess if this variant is too frequent to cause the disease. Based on the score and internal cut-off values, a variant classified as likely benign is not then subjected to further curation. The score for this variant resulted in a classification of likely benign for this disease.

Illumina Laboratory Services, Illumina
Classification: Uncertain significance for Juvenile polyposis syndrome. Last evaluated: 2018-01-12. Review status: criteria provided, single submitter. Criteria: ICSL Variant Classification Criteria 13 December 2019. Collection method: clinical testing. Allele origin: germline.

Color Diagnostics, LLC DBA Color Health
Classification: Likely benign for Hereditary cancer-predisposing syndrome. Last evaluated: 2017-03-02. Review status: criteria provided, single submitter. Criteria: ACMG Guidelines, 2015. Collection method: clinical testing. Allele origin: germline.

Ambry Genetics
Classification: Likely benign for Hereditary cancer-predisposing syndrome; Familial thoracic aortic aneurysm and aortic dissection. Last evaluated: 2016-12-23. Review status: criteria provided, single submitter. Criteria: Ambry Variant Classification Scheme 2023. Collection method: clinical testing. Allele origin: germline.

GeneDx
Classification: Likely benign. Last evaluated: 2016-12-12. Review status: criteria provided, single submitter. Criteria: GeneDx Variant Classification (06012015). Collection method: clinical testing. Allele origin: germline. Affected: yes.
Comment: This variant is considered likely benign or benign based on one or more of the following criteria: it is a conservative change, it occurs at a poorly conserved position in the protein, it is predicted to be benign by multiple in silico algorithms, and/or has population frequency not consistent with disease.

NM_005359.6(SMAD4):c.342T>C (p.Tyr114=)

Gene: SMAD4 (SMAD family member 4; plus strand). Cytogenetic location: 18q21.2.
Variant type: single nucleotide variant.
Coding change: c.342T>C on transcript NM_005359.6 (MANE Select); coding-DNA position 342, T replaced by C.
Protein change: p.Tyr114=; no amino-acid change (tyrosine 114 retained).
Molecular consequence: synonymous variant.
Genome position (GRCh38, 1-based): chr18:51,048,778, T>C. VCF-style: chr18-51048778-T-C. GRCh37 (hg19) VCF-style: chr18-48575148-T-C.
Identifiers: ClinVar variation 240149 (VCV000240149.24), dbSNP rs757211048, ClinGen allele CA8965768.